The following is an entry in ClinVar:

NM_001039348.3(EFEMP1):c.622C>T (p.Arg208Ter)

Gene: EFEMP1 (EGF-like fibulin extracellular matrix protein 1; minus strand). Cytogenetic location: 2p16.1.
Variant type: single nucleotide variant.
Coding change: c.622C>T on transcript NM_001039348.3 (MANE Select); coding-DNA position 622, C replaced by T.
Protein change: p.Arg208Ter; replaces arginine 208 with a stop codon.
Molecular consequence: nonsense.
Genome position (GRCh38, 1-based): chr2:55,881,630, G>A on the plus strand (C>T on the coding strand, the complement: EFEMP1 is on the minus strand). VCF-style: chr2-55881630-G-A. GRCh37 (hg19) VCF-style: chr2-56108765-G-A.
Other names: NC_000002.11:g.56108765G>A; c.622C>T, p.Arg208Ter (NM_001039349.3); short protein forms R208*.
Identifiers: ClinVar variation 1304534 (VCV001304534.4), dbSNP rs1307987501, ClinGen allele CA347029467.

ClinVar aggregate classification (germline): Conflicting classifications of pathogenicity. Review status: criteria provided, conflicting classifications (1 of 4 stars). 2 submissions from 2 submitters: Likely pathogenic (1); Uncertain significance (1). Last evaluated 2025-08-19.

Conditions:
EFEMP1-related disorder. Also called: EFEMP1-related condition.

Allele frequency attached by ClinVar (database versions not stated): gnomAD exomes below 0.00001; gnomAD 0.00001; TOPMed 0.00001.
gnomAD v4.1: 5 of 1,613,638 alleles (0.00031%); highest among the groups gnomAD compares: African/African-American, 0.0027%; no homozygotes.

Submissions (3):

PreventionGenetics, part of Exact Sciences
Classification: Likely pathogenic for EFEMP1-related condition. Last evaluated: 2025-08-19. Review status: criteria provided, single submitter. Criteria: ACMG Guidelines, 2015. Collection method: clinical testing. Allele origin: germline.
Comment: The EFEMP1 c.622C>T variant is predicted to result in premature protein termination (p.Arg208*). This variant was reported in the heterozygous state in an individual with late-onset high myopia (loHM) (Zhou et al. 2018. PubMed ID: 29453956). This variant is reported in 0.011% of alleles in individuals of African descent in gnomAD. Nonsense variants in EFEMP1 are expected to be pathogenic for autosomal recessive disease; however, the clinical relevance of this variant to autosomal dominant disease is unclear at this time. This variant is interpreted as likely pathogenic for autosomal recessive disease.

GeneDx
Classification: Uncertain significance. Last evaluated: 2019-07-31. Review status: criteria provided, single submitter. Criteria: GeneDx Variant Classification Process June 2021. Collection method: clinical testing. Allele origin: germline. Affected: yes.
Comment: Nonsense variant predicted to result in protein truncation or nonsense mediated decay in a gene for which loss-of-function is not a known mechanism of disease; Identified in an individual with late-onset high myopia, although additional clinical information and segregation data were not provided (Zhou et al., 2018); This variant is associated with the following publications: (PMID: 29453956)

Dr. Peter K. Rogan Lab, Western University
No classification provided (evidence only). Condition: Colon adenocarcinoma. Review status: no classification provided. Collection method: in vitro. Allele origin: not applicable. Functional consequence: retained intron. Not counted in ClinVar's aggregate classification.